The following is an entry in ClinVar:

ClinVar aggregate classification (germline): Uncertain significance (1 of 4 stars; one submission).

Allele frequency attached by ClinVar (database versions not stated): gnomAD exomes below 0.00001.
gnomAD v4.1: 1 of 1,614,150 alleles (0.000062%); highest among the groups gnomAD compares: Admixed American, 0.0017%; no homozygotes.

Submission:

Labcorp Genetics (formerly Invitae), Labcorp
Classification: Uncertain significance. Last evaluated: 2023-12-15. Review status: criteria provided, single submitter. Criteria: Invitae Variant Classification Sherloc (09022015). Collection method: clinical testing. Allele origin: germline.
Comment: This sequence change replaces glutamic acid, which is acidic and polar, with glycine, which is neutral and non-polar, at codon 648 of the LRP6 protein (p.Glu648Gly). This variant is not present in population databases (gnomAD no frequency). This variant has not been reported in the literature in individuals affected with LRP6-related conditions. Advanced modeling of protein sequence and biophysical properties (such as structural, functional, and spatial information, amino acid conservation, physicochemical variation, residue mobility, and thermodynamic stability) performed at Invitae indicates that this missense variant is not expected to disrupt LRP6 protein function with a negative predictive value of 80%. In summary, the available evidence is currently insufficient to determine the role of this variant in disease. Therefore, it has been classified as a Variant of Uncertain Significance.

NM_002336.3(LRP6):c.1943A>G (p.Glu648Gly)

Gene: LRP6 (LDL receptor related protein 6; minus strand). Cytogenetic location: 12p13.2.
Variant type: single nucleotide variant.
Coding change: c.1943A>G on transcript NM_002336.3 (MANE Select); coding-DNA position 1943, A replaced by G.
Protein change: p.Glu648Gly; replaces glutamic acid 648 with glycine.
Molecular consequence: missense variant. On other transcripts: non-coding transcript variant (1), intron variant (1).
Genome position (GRCh38, 1-based): chr12:12,164,382, T>C on the plus strand (A>G on the coding strand, the complement: LRP6 is on the minus strand). VCF-style: chr12-12164382-T-C. GRCh37 (hg19) VCF-style: chr12-12317316-T-C.
Other names: c.1943A>G, p.Glu648Gly (NM_001414244.1, NM_001414245.1, NM_001414246.1 and 4 more transcripts); c.1745A>G, p.Glu582Gly (NM_001414247.1); c.1490A>G, p.Glu497Gly (NM_001414252.1, NM_001414253.1, NM_001414254.1); c.1546-1963A>G (NM_001414255.1); short protein forms E497G, E582G, E648G.
Identifiers: ClinVar variation 3007657 (VCV003007657.3), dbSNP rs746745443, ClinGen allele CA383946508.